The following is an entry in ClinVar:

NM_000388.4(CASR):c.2821C>G (p.Gln941Glu)

Gene: CASR (calcium sensing receptor; plus strand). Cytogenetic location: 3q21.1.
Variant type: single nucleotide variant.
Coding change: c.2821C>G on transcript NM_000388.4 (MANE Select); coding-DNA position 2821, C replaced by G.
Protein change: p.Gln941Glu; replaces glutamine 941 with glutamic acid.
Molecular consequence: missense variant.
Genome position (GRCh38, 1-based): chr3:122,284,775, C>G. VCF-style: chr3-122284775-C-G. GRCh37 (hg19) VCF-style: chr3-122003622-C-G.
Other names: c.2851C>G, p.Gln951Glu (NM_001178065.2); short protein forms Q941E, Q951E.
Identifiers: ClinVar variation 1054744 (VCV001054744.11), dbSNP rs2107651279, ClinGen allele CA354160841.

ClinVar aggregate classification (germline): Uncertain significance. Review status: criteria provided, multiple submitters, no conflicts (2 of 4 stars). 2 submissions from 2 submitters: Uncertain significance (2). Last evaluated 2022-07-12.

Conditions:
Autosomal dominant hypocalcemia 1 (HYPOC1). Also called: HYPOCALCEMIA, FAMILIAL. Identifiers: MedGen C3715128, MONDO:0011013, OMIM 601198.
Familial hypocalciuric hypercalcemia (FHH). Also called: Familial benign hypercalcemia. Identifiers: Orphanet 405, MedGen C1809471, MONDO:0018458.
Nephrolithiasis/nephrocalcinosis. Identifiers: MedGen CN580796.

Submissions (2):

Labcorp Genetics (formerly Invitae), Labcorp
Classification: Uncertain significance for Familial hypocalciuric hypercalcemia; Autosomal dominant hypocalcemia 1. Last evaluated: 2022-07-12. Review status: criteria provided, single submitter. Criteria: Invitae Variant Classification Sherloc (09022015). Collection method: clinical testing. Allele origin: germline.
Comment: This sequence change replaces glutamine, which is neutral and polar, with glutamic acid, which is acidic and polar, at codon 941 of the CASR protein (p.Gln941Glu). This variant is not present in population databases (gnomAD no frequency). This variant has not been reported in the literature in individuals affected with CASR-related conditions. ClinVar contains an entry for this variant (Variation ID: 1054744). Algorithms developed to predict the effect of missense changes on protein structure and function are either unavailable or do not agree on the potential impact of this missense change (SIFT: "Deleterious"; PolyPhen-2: "Benign"; Align-GVGD: "Class C0"). In summary, the available evidence is currently insufficient to determine the role of this variant in disease. Therefore, it has been classified as a Variant of Uncertain Significance.

Ambry Genetics
Classification: Uncertain significance for Nephrolithiasis/nephrocalcinosis. Last evaluated: 2021-10-07. Review status: criteria provided, single submitter. Criteria: Ambry Variant Classification Scheme 2023. Collection method: clinical testing. Allele origin: germline.
Comment: The p.Q941E variant (also known as c.2821C>G), located in coding exon 6 of the CASR gene, results from a C to G substitution at nucleotide position 2821. The glutamine at codon 941 is replaced by glutamic acid, an amino acid with highly similar properties. This amino acid position is conserved. In addition, this alteration is predicted to be tolerated by in silico analysis. Since supporting evidence is limited at this time, the clinical significance of this alteration remains unclear.